The following is an entry in ClinVar:

NM_006218.4(PIK3CA):c.2722A>G (p.Thr908Ala)

Gene: PIK3CA (phosphatidylinositol-4,5-bisphosphate 3-kinase catalytic subunit alpha; plus strand). Cytogenetic location: 3q26.32.
Variant type: single nucleotide variant.
Coding change: c.2722A>G on transcript NM_006218.4 (MANE Select); coding-DNA position 2722, A replaced by G.
Protein change: p.Thr908Ala; replaces threonine 908 with alanine.
Molecular consequence: missense variant.
Genome position (GRCh38, 1-based): chr3:179,230,059, A>G. VCF-style: chr3-179230059-A-G. GRCh37 (hg19) VCF-style: chr3-178947847-A-G.
Other names: short protein forms T908A.
Identifiers: ClinVar variation 3225361 (VCV003225361.1), dbSNP rs2108424186, ClinGen allele CA355279643.

ClinVar aggregate classification (germline): Uncertain significance (1 of 4 stars; one submission).

Conditions:
Inborn genetic diseases. Identifiers: MedGen C0950123, MeSH D030342.

Submission:

Ambry Genetics
Classification: Uncertain significance for Inborn genetic diseases. Last evaluated: 2023-11-03. Review status: criteria provided, single submitter. Criteria: Ambry Variant Classification Scheme 2023. Collection method: clinical testing. Allele origin: germline.
Comment: The p.T908A variant (also known as c.2722A>G), located in coding exon 18 of the PIK3CA gene, results from an A to G substitution at nucleotide position 2722. The threonine at codon 908 is replaced by alanine, an amino acid with similar properties. This amino acid position is conserved. In addition, this alteration is predicted to be deleterious by in silico analysis. Since supporting evidence is limited at this time, the clinical significance of this alteration remains unclear.